The following is an entry in ClinVar:

Conditions:
Long QT syndrome 5 (LQT5). Identifiers: Orphanet 101016, Orphanet 768, MedGen C1867904, MONDO:0013372, OMIM 613695.

Submission:

Roden Lab, Vanderbilt University Medical Center
No classification provided (evidence only). Condition: Long QT syndrome 5. Review status: no classification provided. Collection method: in vitro. Allele origin: not applicable. Functional consequence: Effect on ion channel function.
ClinVar note: "not provided" was previously submitted as the classification for the variant. However, the classification appeared to be based only on an observation of functional data so it was converted to no classification on 2025-07-30.

NM_000219.6(KCNE1):c.204C>G (p.Ser68=)

Gene: KCNE1 (potassium voltage-gated channel subfamily E regulatory subunit 1; minus strand). Cytogenetic location: 21q22.12.
Variant type: single nucleotide variant.
Coding change: c.204C>G on transcript NM_000219.6 (MANE Select); coding-DNA position 204, C replaced by G.
Protein change: p.Ser68=; no amino-acid change (serine 68 retained).
Molecular consequence: synonymous variant.
Genome position (GRCh38, 1-based): chr21:34,449,431, G>C on the plus strand (C>G on the coding strand, the complement: KCNE1 is on the minus strand). VCF-style: chr21-34449431-G-C. GRCh37 (hg19) VCF-style: chr21-35821729-G-C.
Other names: c.204C>G, p.Ser68= (NM_001127668.4, NM_001127669.4, NM_001127670.4 and 4 more transcripts).
Identifiers: ClinVar variation 3374323 (VCV003374323.2).